The following is an entry in ClinVar:

ClinVar aggregate classification (germline): Conflicting classifications of pathogenicity. Review status: criteria provided, conflicting classifications (1 of 4 stars). 2 submissions from 2 submitters: Uncertain significance (1); Likely benign (1). Last evaluated 2026-01-28.

Allele frequency attached by ClinVar (database versions not stated): ExAC 0.00001; gnomAD 0.00001; gnomAD exomes 0.00001; TOPMed 0.00002.
gnomAD v4.1: 17 of 1,613,930 alleles (0.0011%); highest among the groups gnomAD compares: Admixed American, 0.005%; no homozygotes.

Submissions (2):

Labcorp Genetics (formerly Invitae), Labcorp
Classification: Likely benign. Last evaluated: 2026-01-28. Review status: criteria provided, single submitter. Criteria: Invitae Variant Classification Sherloc (09022015). Collection method: clinical testing. Allele origin: germline.

GeneDx
Classification: Uncertain significance. Last evaluated: 2020-02-11. Review status: criteria provided, single submitter. Criteria: GeneDx Variant Classification Process June 2021. Collection method: clinical testing. Allele origin: germline. Affected: yes.
Comment: Has not been previously published as pathogenic or benign to our knowledge; In silico analysis, which includes splice predictors and evolutionary conservation, suggests this variant may impact gene splicing. In the absence of RNA/functional studies, the actual effect of this sequence change is unknown.

NM_012062.5(DNM1L):c.198A>G (p.Gln66=)

Gene: DNM1L (dynamin 1 like; plus strand). Cytogenetic location: 12p11.21.
Variant type: single nucleotide variant.
Coding change: c.198A>G on transcript NM_012062.5 (MANE Select); coding-DNA position 198, A replaced by G.
Protein change: p.Gln66=; no amino-acid change (glutamine 66 retained).
Molecular consequence: synonymous variant. On other transcripts: 5 prime UTR variant (1).
Genome position (GRCh38, 1-based): chr12:32,701,510, A>G. VCF-style: chr12-32701510-A-G. GRCh37 (hg19) VCF-style: chr12-32854444-A-G.
Other names: c.198A>G, p.Gln66= (NM_001278463.2, NM_001278464.2, NM_001278465.2 and 3 more transcripts); c.-8A>G (NM_001278466.2).
Identifiers: ClinVar variation 1312033 (VCV001312033.6), dbSNP rs764711165, ClinGen allele CA6507244.